The following is an entry in ClinVar:

NM_032620.4(GTPBP3):c.773C>G (p.Pro258Arg)

Gene: GTPBP3 (GTP binding protein 3, mitochondrial; plus strand). Cytogenetic location: 19p13.11.
Variant type: single nucleotide variant.
Coding change: c.773C>G on transcript NM_032620.4 (MANE Select); coding-DNA position 773, C replaced by G.
Protein change: p.Pro258Arg; replaces proline 258 with arginine.
Molecular consequence: missense variant.
Genome position (GRCh38, 1-based): chr19:17,339,231, C>G. VCF-style: chr19-17339231-C-G. GRCh37 (hg19) VCF-style: chr19-17450040-C-G.
Other names: c.773C>G, p.Pro258Arg (NM_001128855.3); c.839C>G, p.Pro280Arg (NM_001195422.1); c.869C>G, p.Pro290Arg (NM_133644.4); short protein forms P258R, P290R, P280R.
Identifiers: ClinVar variation 1352267 (VCV001352267.3), dbSNP rs760024091, ClinGen allele CA9293494.

ClinVar aggregate classification (germline): Uncertain significance (1 of 4 stars; one submission).

Allele frequency attached by ClinVar (database versions not stated): TOPMed below 0.00001.

Submission:

Labcorp Genetics (formerly Invitae), Labcorp
Classification: Uncertain significance. Last evaluated: 2021-10-22. Review status: criteria provided, single submitter. Criteria: Invitae Variant Classification Sherloc (09022015). Collection method: clinical testing. Allele origin: germline.
Comment: This sequence change replaces proline with arginine at codon 290 of the GTPBP3 protein (p.Pro290Arg). The proline residue is moderately conserved and there is a moderate physicochemical difference between proline and arginine. This variant is present in population databases (rs760024091, ExAC 0.002%). This variant has not been reported in the literature in individuals with GTPBP3-related conditions. Algorithms developed to predict the effect of missense changes on protein structure and function are either unavailable or do not agree on the potential impact of this missense change (SIFT: "Deleterious"; PolyPhen-2: "Probably Damaging"; Align-GVGD: "Class C0"). In summary, the available evidence is currently insufficient to determine the role of this variant in disease. Therefore, it has been classified as a Variant of Uncertain Significance.